The following is an entry in ClinVar:

ClinVar aggregate classification (germline): Uncertain significance (1 of 4 stars; one submission).

Conditions:
Metachromatic leukodystrophy (MLD). Also called: Cerebral sclerosis diffuse metachromatic form; Arylsulfatase A Deficiency; SULFATIDE LIPIDOSIS; ARSA DEFICIENCY; CEREBROSIDE SULFATASE DEFICIENCY; METACHROMATIC LEUKOENCEPHALOPATHY. Identifiers: Orphanet 512, MedGen C0023522, MONDO:0018868, OMIM 250100.

gnomAD v4.1: 1 of 1,608,318 alleles (0.000062%); highest among the groups gnomAD compares: East Asian, 0.0022%; no homozygotes.

Submission:

Labcorp Genetics (formerly Invitae), Labcorp
Classification: Uncertain significance for Metachromatic leukodystrophy. Last evaluated: 2021-12-02. Review status: criteria provided, single submitter. Criteria: Invitae Variant Classification Sherloc (09022015). Collection method: clinical testing. Allele origin: germline.
Comment: Variants that disrupt the consensus splice site are a relatively common cause of aberrant splicing (PMID: 17576681, 9536098). Algorithms developed to predict the effect of sequence changes on RNA splicing suggest that this variant may disrupt the consensus splice site. In summary, the available evidence is currently insufficient to determine the role of this variant in disease. Therefore, it has been classified as a Variant of Uncertain Significance. This variant has been observed in individual(s) with metachromatic leukodystrophy (Invitae). This variant is present in population databases (no rsID available, gnomAD 0.006%). This sequence change falls in intron 1 of the ARSA gene. It does not directly change the encoded amino acid sequence of the ARSA protein. It affects a nucleotide within the consensus splice site.

Literature cited by the submitters: PubMed 17576681; PubMed 9536098.

NM_000487.6(ARSA):c.225-3C>G

Gene: ARSA (arylsulfatase A; minus strand). Cytogenetic location: 22q13.33.
Variant type: single nucleotide variant.
Coding change: c.225-3C>G on transcript NM_000487.6 (MANE Select); 3 bases into the intron before coding-DNA position 225, C replaced by G.
Molecular consequence: intron variant.
Genome position (GRCh38, 1-based): chr22:50,627,409, G>C on the plus strand (C>G on the coding strand, the complement: ARSA is on the minus strand). VCF-style: chr22-50627409-G-C. GRCh37 (hg19) VCF-style: chr22-51065837-G-C.
Other names: c.-34-3C>G (NM_001362782.2, NM_001085428.3); c.225-3C>G (NM_001085427.3, NM_001085426.3, NM_001085425.3).
Identifiers: ClinVar variation 1398468 (VCV001398468.6), dbSNP rs756812838, ClinGen allele CA640358607.
Genomic context (GRCh38, chr22:50,627,409, plus strand): 5'-CAGGACGCCAGGGTACATGCCCATCCGAACCGGGAGCCGGCCGGTCAGGAGGGCGGCCCT[G>C]CGGGACAAGTCACAGAGTCCCTGAGACAGACAGAAATGTGGCCTTCCCTAGAGAGAGAGA-3'